The following is an entry in ClinVar:

NM_001358530.2(MOCS1):c.137G>C (p.Arg46Pro)

Gene: MOCS1 (molybdenum cofactor synthesis 1; minus strand). Cytogenetic location: 6p21.2.
Variant type: single nucleotide variant.
Coding change: c.137G>C on transcript NM_001358530.2 (MANE Select); coding-DNA position 137, G replaced by C.
Protein change: p.Arg46Pro; replaces arginine 46 with proline.
Molecular consequence: missense variant. On other transcripts: 5 prime UTR variant (1), intron variant (2).
Genome position (GRCh38, 1-based): chr6:39,927,442, C>G on the plus strand (G>C on the coding strand, the complement: MOCS1 is on the minus strand). VCF-style: chr6-39927442-C-G. GRCh37 (hg19) VCF-style: chr6-39895181-C-G.
Other names: c.137G>C, p.Arg46Pro (NM_001075098.4, NM_001358529.2, NM_005943.6); c.-125G>C (NM_001358534.2); c.-11-1597G>C (NM_001358531.2, NM_001358533.2); short protein forms R46P.
Identifiers: ClinVar variation 1997427 (VCV001997427.1), dbSNP rs752673279, ClinGen allele CA3796429.

ClinVar aggregate classification (germline): Uncertain significance (1 of 4 stars; one submission).

Conditions:
Sulfite oxidase deficiency due to molybdenum cofactor deficiency type A. Also called: Molybdenum cofactor deficiency, complementation group A; Molybdenum Cofactor Deficiency A. Identifiers: Orphanet 308386, Orphanet 833, MedGen C1854988, MONDO:0009643, OMIM 252150.

Allele frequency attached by ClinVar (database versions not stated): TOPMed 0.00002.
gnomAD v4.1: 4 of 1,611,564 alleles (0.00025%); highest among the groups gnomAD compares: East Asian, 0.0089%; no homozygotes.

Submission:

Labcorp Genetics (formerly Invitae), Labcorp
Classification: Uncertain significance for Sulfite oxidase deficiency due to molybdenum cofactor deficiency type A. Last evaluated: 2022-05-21. Review status: criteria provided, single submitter. Criteria: Invitae Variant Classification Sherloc (09022015). Collection method: clinical testing. Allele origin: germline.
Comment: This sequence change replaces arginine, which is basic and polar, with proline, which is neutral and non-polar, at codon 46 of the MOCS1 protein (p.Arg46Pro). This variant is present in population databases (rs752673279, gnomAD 0.02%). This variant has not been reported in the literature in individuals affected with MOCS1-related conditions. Algorithms developed to predict the effect of missense changes on protein structure and function output the following: SIFT: "Not Available"; PolyPhen-2: "Benign"; Align-GVGD: "Not Available". The proline amino acid residue is found in multiple mammalian species, which suggests that this missense change does not adversely affect protein function. In summary, the available evidence is currently insufficient to determine the role of this variant in disease. Therefore, it has been classified as a Variant of Uncertain Significance.